The following is an entry in ClinVar:

ClinVar aggregate classification (germline): Uncertain significance. Review status: criteria provided, multiple submitters, no conflicts (2 of 4 stars). 2 submissions from 2 submitters: Uncertain significance (2). Last evaluated 2025-07-31.

Conditions:
Inborn genetic diseases. Identifiers: MedGen C0950123, MeSH D030342.

Allele frequency attached by ClinVar (database versions not stated): gnomAD exomes 0.00001.
gnomAD v4.1: 9 of 1,613,902 alleles (0.00056%); highest among the groups gnomAD compares: African/African-American, 0.0027%; no homozygotes.

Submissions (2):

Ambry Genetics
Classification: Uncertain significance for Inborn genetic diseases. Last evaluated: 2025-07-31. Review status: criteria provided, single submitter. Criteria: Ambry Variant Classification Scheme 2023. Collection method: clinical testing. Allele origin: germline.

Labcorp Genetics (formerly Invitae), Labcorp
Classification: Uncertain significance. Last evaluated: 2024-10-26. Review status: criteria provided, single submitter. Criteria: Invitae Variant Classification Sherloc (09022015). Collection method: clinical testing. Allele origin: germline.
Comment: This sequence change replaces arginine, which is basic and polar, with glutamine, which is neutral and polar, at codon 66 of the NRL protein (p.Arg66Gln). This variant is present in population databases (rs765131883, gnomAD 0.008%). This variant has not been reported in the literature in individuals affected with NRL-related conditions. ClinVar contains an entry for this variant (Variation ID: 1488816). An algorithm developed to predict the effect of missense changes on protein structure and function (PolyPhen-2) suggests that this variant is likely to be tolerated. In summary, the available evidence is currently insufficient to determine the role of this variant in disease. Therefore, it has been classified as a Variant of Uncertain Significance.

NM_001354768.3(NRL):c.197G>A (p.Arg66Gln)

Gene: NRL (neural retina leucine zipper; minus strand). Cytogenetic location: 14q11.2.
Variant type: single nucleotide variant.
Coding change: c.197G>A on transcript NM_001354768.3 (MANE Select); coding-DNA position 197, G replaced by A.
Protein change: p.Arg66Gln; replaces arginine 66 with glutamine.
Molecular consequence: missense variant. On other transcripts: intron variant (1).
Genome position (GRCh38, 1-based): chr14:24,082,652, C>T on the plus strand (G>A on the coding strand, the complement: NRL is on the minus strand). VCF-style: chr14-24082652-C-T. GRCh37 (hg19) VCF-style: chr14-24551861-C-T.
Other names: c.197G>A, p.Arg66Gln (NM_001354769.1, NM_006177.5); c.66+131G>A (NM_001354770.2); c.197G>A (NM_006177.3); short protein forms R66Q.
Identifiers: ClinVar variation 1488816 (VCV001488816.7), dbSNP rs765131883, ClinGen allele CA7122910.